The following is an entry in ClinVar:

NM_000718.4(CACNA1B):c.304C>T (p.Leu102=)

Genes: CACNA1B (calcium voltage-gated channel subunit alpha1 B; plus strand), CACNA1B-AS2 (CACNA1B antisense RNA 2; minus strand). Cytogenetic location: 9q34.3.
Variant type: single nucleotide variant.
Coding change: c.304C>T on transcript NM_000718.4 (MANE Select); coding-DNA position 304, C replaced by T.
Protein change: p.Leu102=; no amino-acid change (leucine 102 retained).
Molecular consequence: synonymous variant.
Genome position (GRCh38, 1-based): chr9:137,879,073, C>T. VCF-style: chr9-137879073-C-T. GRCh37 (hg19) VCF-style: chr9-140773525-C-T.
Other names: c.304C>T, p.Leu102= (NM_001243812.2).
Identifiers: ClinVar variation 3028969 (VCV003028969.2), dbSNP rs1956879494, ClinGen allele CA467888017.

ClinVar aggregate classification (germline): Likely benign (0 of 4 stars; one submission).

Conditions:
CACNA1B-related disorder. Also called: CACNA1B-related condition.

Allele frequency attached by ClinVar (database versions not stated): gnomAD 0.00001.

Submission:

PreventionGenetics, part of Exact Sciences
Classification: Likely benign for CACNA1B-related condition. Last evaluated: 2021-04-29. Review status: no assertion criteria provided. Collection method: clinical testing. Allele origin: germline.
Comment: This variant is classified as likely benign based on ACMG/AMP sequence variant interpretation guidelines (Richards et al. 2015 PMID: 25741868, with internal and published modifications).